The following is an entry in ClinVar:

NM_015338.6(ASXL1):c.1829G>A (p.Gly610Asp)

Gene: ASXL1 (ASXL transcriptional regulator 1; plus strand). Cytogenetic location: 20q11.21.
Variant type: single nucleotide variant.
Coding change: c.1829G>A on transcript NM_015338.6 (MANE Select); coding-DNA position 1829, G replaced by A.
Protein change: p.Gly610Asp; replaces glycine 610 with aspartic acid.
Molecular consequence: missense variant.
Genome position (GRCh38, 1-based): chr20:32,434,541, G>A. VCF-style: chr20-32434541-G-A. GRCh37 (hg19) VCF-style: chr20-31022344-G-A.
Other names: c.1646G>A, p.Gly549Asp (NM_001363734.1); short protein forms G610D, G549D.
Identifiers: ClinVar variation 2300877 (VCV002300877.6), dbSNP rs940521669, ClinGen allele CA313926272.

ClinVar aggregate classification (germline): Uncertain significance. Review status: criteria provided, multiple submitters, no conflicts (2 of 4 stars). 3 submissions from 3 submitters: Uncertain significance (3). Last evaluated 2025-02-02.

Conditions:
Inborn genetic diseases. Identifiers: MedGen C0950123, MeSH D030342.

Allele frequency attached by ClinVar (database versions not stated): gnomAD exomes below 0.00001; TOPMed 0.00001.
gnomAD v4.1: 3 of 1,613,934 alleles (0.00019%); highest among the groups gnomAD compares: African/African-American, 0.004%; no homozygotes.

Submissions (3):

Ambry Genetics
Classification: Uncertain significance for Inborn genetic diseases. Last evaluated: 2025-02-02. Review status: criteria provided, single submitter. Criteria: Ambry Variant Classification Scheme 2023. Collection method: clinical testing. Allele origin: germline.
Comment: The p.G610D variant (also known as c.1829G>A), located in coding exon 13 of the ASXL1 gene, results from a G to A substitution at nucleotide position 1829. The glycine at codon 610 is replaced by aspartic acid, an amino acid with similar properties. This amino acid position is conserved. In addition, the in silico prediction for this alteration is inconclusive. Based on the available evidence, the clinical significance of this variant remains unclear.

Labcorp Genetics (formerly Invitae), Labcorp
Classification: Uncertain significance. Last evaluated: 2024-05-08. Review status: criteria provided, single submitter. Criteria: Invitae Variant Classification Sherloc (09022015). Collection method: clinical testing. Allele origin: germline.
Comment: This sequence change replaces glycine, which is neutral and non-polar, with aspartic acid, which is acidic and polar, at codon 610 of the ASXL1 protein (p.Gly610Asp). This variant is present in population databases (no rsID available, gnomAD 0.01%). This variant has not been reported in the literature in individuals affected with ASXL1-related conditions. ClinVar contains an entry for this variant (Variation ID: 2300877). An algorithm developed to predict the effect of missense changes on protein structure and function (PolyPhen-2) suggests that this variant is likely to be disruptive. In summary, the available evidence is currently insufficient to determine the role of this variant in disease. Therefore, it has been classified as a Variant of Uncertain Significance.

GeneDx
Classification: Uncertain significance. Last evaluated: 2024-02-21. Review status: criteria provided, single submitter. Criteria: GeneDx Variant Classification Process June 2021. Collection method: clinical testing. Allele origin: germline. Affected: yes.
Comment: In silico analysis supports that this missense variant has a deleterious effect on protein structure/function; Has not been previously published as pathogenic or benign to our knowledge